The following is an entry in ClinVar:

ClinVar aggregate classification (germline): Uncertain significance (1 of 4 stars; one submission).

Conditions:
Developmental and epileptic encephalopathy, 25 (DEE25). Also called: Epileptic encephalopathy, early infantile, 25; Developmental and epileptic encephalopathy 25, with amelogenesis imperfecta; Epileptic encephalopathy, early infantile, 25, with amelogenesis imperfecta. Identifiers: Orphanet 442835, MedGen C4014621, MONDO:0014392, OMIM 615905.

Submission:

Labcorp Genetics (formerly Invitae), Labcorp
Classification: Uncertain significance for Developmental and epileptic encephalopathy, 25. Last evaluated: 2021-08-24. Review status: criteria provided, single submitter. Criteria: Invitae Variant Classification Sherloc (09022015). Collection method: clinical testing. Allele origin: germline.
Comment: Algorithms developed to predict the effect of missense changes on protein structure and function (SIFT, PolyPhen-2, Align-GVGD) all suggest that this variant is likely to be tolerated. This variant has not been reported in the literature in individuals affected with SLC13A5-related conditions. This variant is not present in population databases (ExAC no frequency). This sequence change replaces arginine with serine at codon 37 of the SLC13A5 protein (p.Arg37Ser). The arginine residue is weakly conserved and there is a moderate physicochemical difference between arginine and serine. In summary, the available evidence is currently insufficient to determine the role of this variant in disease. Therefore, it has been classified as a Variant of Uncertain Significance.

NM_177550.5(SLC13A5):c.111G>C (p.Arg37Ser)

Gene: SLC13A5 (solute carrier family 13 member 5; minus strand). Cytogenetic location: 17p13.1.
Variant type: single nucleotide variant.
Coding change: c.111G>C on transcript NM_177550.5 (MANE Select); coding-DNA position 111, G replaced by C.
Protein change: p.Arg37Ser; replaces arginine 37 with serine.
Molecular consequence: missense variant. On other transcripts: intron variant (1).
Genome position (GRCh38, 1-based): chr17:6,707,148, C>G on the plus strand (G>C on the coding strand, the complement: SLC13A5 is on the minus strand). VCF-style: chr17-6707148-C-G. GRCh37 (hg19) VCF-style: chr17-6610467-C-G.
Other names: c.111G>C, p.Arg37Ser (NM_001143838.3, NM_001284509.2); c.103-370G>C (NM_001284510.2); short protein forms R37S.
Identifiers: ClinVar variation 1515117 (VCV001515117.6), dbSNP rs2151498848, ClinGen allele CA397752061.